The following is an entry in ClinVar:

ClinVar aggregate classification (germline): Uncertain significance (1 of 4 stars; one submission).

Conditions:
Wilms tumor 1 (WT1). Also called: Wilms tumor, somatic. Identifiers: Orphanet 654, MedGen CN033288, MONDO:0008679, OMIM 194070.

Submissions (2):

Labcorp Genetics (formerly Invitae), Labcorp
Classification: Uncertain significance for Wilms tumor 1. Last evaluated: 2022-08-16. Review status: criteria provided, single submitter. Criteria: Invitae Variant Classification Sherloc (09022015). Collection method: clinical testing. Allele origin: germline.
Comment: In summary, the available evidence is currently insufficient to determine the role of this variant in disease. Therefore, it has been classified as a Variant of Uncertain Significance. Algorithms developed to predict the effect of sequence changes on RNA splicing suggest that this variant may disrupt the consensus splice site. Algorithms developed to predict the effect of missense changes on protein structure and function are either unavailable or do not agree on the potential impact of this missense change (SIFT: "Deleterious"; PolyPhen-2: "Probably Damaging"; Align-GVGD: "Class C0"). ClinVar contains an entry for this variant (Variation ID: 1500695). This variant has not been reported in the literature in individuals affected with GPC3-related conditions. This variant is not present in population databases (gnomAD no frequency). This sequence change replaces serine, which is neutral and polar, with glycine, which is neutral and non-polar, at codon 97 of the GPC3 protein (p.Ser97Gly).

Dr. Peter K. Rogan Lab, Western University
No classification provided (evidence only). Condition: Thyroid cancer, nonmedullary, 1. Review status: no classification provided. Collection method: in vitro. Allele origin: not applicable. Functional consequence: retained intron. Not counted in ClinVar's aggregate classification.

NM_004484.4(GPC3):c.289A>G (p.Ser97Gly)

Gene: GPC3 (glypican 3; minus strand). Cytogenetic location: Xq26.2.
Variant type: single nucleotide variant.
Coding change: c.289A>G on transcript NM_004484.4 (MANE Select); coding-DNA position 289, A replaced by G.
Protein change: p.Ser97Gly; replaces serine 97 with glycine.
Molecular consequence: missense variant. On other transcripts: intron variant (1).
Genome position (GRCh38, 1-based): chrX:133,953,098, T>C on the plus strand (A>G on the coding strand, the complement: GPC3 is on the minus strand). VCF-style: chrX-133953098-T-C. GRCh37 (hg19) VCF-style: chrX-133087125-T-C.
Other names: c.289A>G, p.Ser97Gly (NM_001164617.2); c.289A>G, p.Lys97Glu (NM_001164618.2); c.175+32177A>G (NM_001164619.2); short protein forms K97E, S97G.
Identifiers: ClinVar variation 1500695 (VCV001500695.9), dbSNP rs2124634767, ClinGen allele CA414707370.